The following is an entry in ClinVar:

ClinVar aggregate classification (germline): Likely benign. Review status: criteria provided, multiple submitters, no conflicts (2 of 4 stars). 4 submissions from 4 submitters: Likely benign (4). Last evaluated 2025-12-28.

Conditions:
Townes syndrome (TBS). Also called: Townes-Brocks syndrome. Identifiers: Orphanet 857, MedGen C0265246, MeSH C536974, MONDO:0007142.
Townes-Brocks syndrome 1 (TBS1). Also called: REAR SYNDROME; RENAL-EAR-ANAL-RADIAL SYNDROME; DEAFNESS, SENSORINEURAL, WITH IMPERFORATE ANUS AND THUMB ANOMALIES; SALL1-Related Townes-Brocks Syndrome. Identifiers: Orphanet 857, MedGen C4551481, MONDO:0054581, OMIM 107480.

Allele frequency attached by ClinVar (database versions not stated): gnomAD exomes 0.00001; TOPMed 0.00002.
gnomAD v4.1: 9 of 1,614,210 alleles (0.00056%); highest among the groups gnomAD compares: Admixed American, 0.005%; no homozygotes.

Submissions (4):

Labcorp Genetics (formerly Invitae), Labcorp
Classification: Likely benign for Townes syndrome. Last evaluated: 2025-12-28. Review status: criteria provided, single submitter. Criteria: Invitae Variant Classification Sherloc (09022015). Collection method: clinical testing. Allele origin: germline.

CeGaT Center for Human Genetics Tuebingen
Classification: Likely benign. Last evaluated: 2024-12-01. Review status: criteria provided, single submitter. Criteria: CeGaT Center For Human Genetics Tuebingen Variant Classification Criteria Version 2. Collection method: clinical testing. Allele origin: germline. Affected: yes. Observed: 1 variant allele.
Comment: SALL1: BP4, BP7

Fulgent Genetics
Classification: Likely benign for Townes-Brocks syndrome 1. Last evaluated: 2021-12-20. Review status: criteria provided, single submitter. Criteria: ACMG Guidelines, 2015. Collection method: clinical testing. Allele origin: unknown.

GeneDx
Classification: Likely benign. Last evaluated: 2020-07-31. Review status: criteria provided, single submitter. Criteria: GeneDx Variant Classification Process June 2021. Collection method: clinical testing. Allele origin: germline. Affected: yes.

NM_002968.3(SALL1):c.2259C>T (p.Tyr753=)

Gene: SALL1 (spalt like transcription factor 1; minus strand). Cytogenetic location: 16q12.1.
Variant type: single nucleotide variant.
Coding change: c.2259C>T on transcript NM_002968.3 (MANE Select); coding-DNA position 2259, C replaced by T.
Protein change: p.Tyr753=; no amino-acid change (tyrosine 753 retained).
Molecular consequence: synonymous variant.
Genome position (GRCh38, 1-based): chr16:51,139,963, G>A on the plus strand (C>T on the coding strand, the complement: SALL1 is on the minus strand). VCF-style: chr16-51139963-G-A. GRCh37 (hg19) VCF-style: chr16-51173874-G-A.
Other names: c.1968C>T, p.Tyr656= (NM_001127892.2).
Identifiers: ClinVar variation 1214791 (VCV001214791.19), dbSNP rs1015061989, ClinGen allele CA281301396.